The following is an entry in ClinVar:

ClinVar aggregate classification (germline): Uncertain significance (1 of 4 stars; one submission).

Allele frequency attached by ClinVar (database versions not stated): gnomAD exomes below 0.00001; TOPMed below 0.00001.
gnomAD v4.1: 1 of 1,613,712 alleles (0.000062%); highest among the groups gnomAD compares: Non-Finnish European, 0.000085%; no homozygotes.

Submission:

Labcorp Genetics (formerly Invitae), Labcorp
Classification: Uncertain significance. Last evaluated: 2022-02-23. Review status: criteria provided, single submitter. Criteria: Invitae Variant Classification Sherloc (09022015). Collection method: clinical testing. Allele origin: germline.
Comment: This sequence change replaces histidine, which is basic and polar, with arginine, which is basic and polar, at codon 425 of the TUBGCP4 protein (p.His425Arg). This variant is present in population databases (no rsID available, gnomAD 0.0009%). This variant has not been reported in the literature in individuals affected with TUBGCP4-related conditions. Algorithms developed to predict the effect of missense changes on protein structure and function (SIFT, PolyPhen-2, Align-GVGD) all suggest that this variant is likely to be tolerated. In summary, the available evidence is currently insufficient to determine the role of this variant in disease. Therefore, it has been classified as a Variant of Uncertain Significance.

NM_014444.5(TUBGCP4):c.1274A>G (p.His425Arg)

Gene: TUBGCP4 (tubulin gamma complex component 4; plus strand). Cytogenetic location: 15q15.3.
Variant type: single nucleotide variant.
Coding change: c.1274A>G on transcript NM_014444.5 (MANE Select); coding-DNA position 1274, A replaced by G.
Protein change: p.His425Arg; replaces histidine 425 with arginine.
Molecular consequence: missense variant.
Genome position (GRCh38, 1-based): chr15:43,397,316, A>G. VCF-style: chr15-43397316-A-G. GRCh37 (hg19) VCF-style: chr15-43689514-A-G.
Other names: c.1274A>G, p.His425Arg (NM_001286414.3); short protein forms H425R.
Identifiers: ClinVar variation 1465438 (VCV001465438.5), dbSNP rs1156287060, ClinGen allele CA392132358.